The following is an entry in ClinVar:

ClinVar aggregate classification (germline): Uncertain significance (1 of 4 stars; one submission).

Conditions:
Hereditary cancer-predisposing syndrome. Also called: Hereditary Cancer Syndrome; Tumor predisposition; Hereditary neoplastic syndrome; Neoplastic Syndromes, Hereditary. Identifiers: Orphanet 140162, MedGen C0027672, MeSH D009386, MONDO:0015356.

Submission:

Ambry Genetics
Classification: Uncertain significance for Hereditary cancer-predisposing syndrome. Last evaluated: 2024-08-02. Review status: criteria provided, single submitter. Criteria: Ambry Variant Classification Scheme 2023. Collection method: clinical testing. Allele origin: germline.
Comment: The p.S381G variant (also known as c.1141A>G), located in coding exon 7 of the MEN1 gene, results from an A to G substitution at nucleotide position 1141. The serine at codon 381 is replaced by glycine, an amino acid with similar properties. This amino acid position is conserved. In addition, the in silico prediction for this alteration is inconclusive. Based on the available evidence, the clinical significance of this variant remains unclear.

NM_001370259.2(MEN1):c.1141A>G (p.Ser381Gly)

Gene: MEN1 (menin 1; minus strand). Cytogenetic location: 11q13.1.
Variant type: single nucleotide variant.
Coding change: c.1141A>G on transcript NM_001370259.2 (MANE Select); coding-DNA position 1141, A replaced by G.
Protein change: p.Ser381Gly; replaces serine 381 with glycine.
Molecular consequence: missense variant. On other transcripts: non-coding transcript variant (4).
Genome position (GRCh38, 1-based): chr11:64,805,679, T>C on the plus strand (A>G on the coding strand, the complement: MEN1 is on the minus strand). VCF-style: chr11-64805679-T-C. GRCh37 (hg19) VCF-style: chr11-64573151-T-C.
Other names: c.1156A>G, p.Ser386Gly (NM_000244.4, NM_001407145.1, NM_130800.3 and 4 more transcripts); c.1267A>G, p.Ser423Gly (NM_001370251.2, NM_001407142.1, NM_001407143.1 and 1 more transcripts); c.1141A>G, p.Ser381Gly (NM_001370260.2, NM_001370261.2, NM_001407146.1 and 3 more transcripts); c.1036A>G, p.Ser346Gly (NM_001370262.2, NM_001370263.2, NM_001407148.1 and 1 more transcripts); c.1282A>G, p.Ser428Gly (NM_001407150.1); c.1162A>G, p.Ser388Gly (NM_001407151.1); short protein forms S388G, S423G, S346G, S386G, S428G, S381G.
Identifiers: ClinVar variation 3394954 (VCV003394954.1).